The following is an entry in ClinVar:

ClinVar aggregate classification (germline): Uncertain significance (1 of 4 stars; one submission).

Conditions:
Mowat-Wilson syndrome (MOWS). Also called: Classic Mowat-Wilson Syndrome. Identifiers: Orphanet 2152, MedGen C1856113, MONDO:0009341, OMIM 235730.

Submission:

Labcorp Genetics (formerly Invitae), Labcorp
Classification: Uncertain significance for Mowat-Wilson syndrome. Last evaluated: 2024-11-05. Review status: criteria provided, single submitter. Criteria: Invitae Variant Classification Sherloc (09022015). Collection method: clinical testing. Allele origin: germline.
Comment: This sequence change replaces leucine, which is neutral and non-polar, with phenylalanine, which is neutral and non-polar, at codon 898 of the ZEB2 protein (p.Leu898Phe). This variant is not present in population databases (gnomAD no frequency). This variant has not been reported in the literature in individuals affected with ZEB2-related conditions. ClinVar contains an entry for this variant (Variation ID: 640254). Invitae Evidence Modeling incorporating data from in vitro experimental studies (internal data) indicates that this missense variant is not expected to disrupt ZEB2 function with a negative predictive value of 95%. In summary, the available evidence is currently insufficient to determine the role of this variant in disease. Therefore, it has been classified as a Variant of Uncertain Significance.

NM_014795.4(ZEB2):c.2692C>T (p.Leu898Phe)

Gene: ZEB2 (zinc finger E-box binding homeobox 2; minus strand). Cytogenetic location: 2q22.3.
Variant type: single nucleotide variant.
Coding change: c.2692C>T on transcript NM_014795.4 (MANE Select); coding-DNA position 2692, C replaced by T.
Protein change: p.Leu898Phe; replaces leucine 898 with phenylalanine.
Molecular consequence: missense variant.
Genome position (GRCh38, 1-based): chr2:144,398,495, G>A on the plus strand (C>T on the coding strand, the complement: ZEB2 is on the minus strand). VCF-style: chr2-144398495-G-A. GRCh37 (hg19) VCF-style: chr2-145156062-G-A.
Other names: c.2620C>T, p.Leu874Phe (NM_001171653.2); short protein forms L874F, L898F.
Identifiers: ClinVar variation 640254 (VCV000640254.8), dbSNP rs1573715321, ClinGen allele CA348707367.